The following is an entry in ClinVar:

ClinVar aggregate classification (germline): Uncertain significance (1 of 4 stars; one submission).

Conditions:
Familial temporal lobe epilepsy 7. Identifiers: Orphanet 101046, MedGen C4225327, MONDO:0014639, OMIM 616436.
Norman-Roberts syndrome (LIS2). Also called: Lissencephaly 2 (Norman-Roberts type). Identifiers: Orphanet 89844, MedGen C0796089, MONDO:0009760, OMIM 257320.

Submission:

Labcorp Genetics (formerly Invitae), Labcorp
Classification: Uncertain significance for Familial temporal lobe epilepsy 7; Norman-Roberts syndrome. Last evaluated: 2022-01-14. Review status: criteria provided, single submitter. Criteria: Invitae Variant Classification Sherloc (09022015). Collection method: clinical testing. Allele origin: germline.
Comment: In summary, the available evidence is currently insufficient to determine the role of this variant in disease. Therefore, it has been classified as a Variant of Uncertain Significance. Algorithms developed to predict the effect of missense changes on protein structure and function are either unavailable or do not agree on the potential impact of this missense change (SIFT: "Deleterious"; PolyPhen-2: "Benign"; Align-GVGD: "Class C0"). This variant has not been reported in the literature in individuals affected with RELN-related conditions. This variant is not present in population databases (gnomAD no frequency). This sequence change replaces valine, which is neutral and non-polar, with leucine, which is neutral and non-polar, at codon 933 of the RELN protein (p.Val933Leu).

NM_005045.4(RELN):c.2797G>T (p.Val933Leu)

Gene: RELN (reelin; minus strand). Cytogenetic location: 7q22.1.
Variant type: single nucleotide variant.
Coding change: c.2797G>T on transcript NM_005045.4 (MANE Select); coding-DNA position 2797, G replaced by T.
Protein change: p.Val933Leu; replaces valine 933 with leucine.
Molecular consequence: missense variant.
Genome position (GRCh38, 1-based): chr7:103,611,709, C>A on the plus strand (G>T on the coding strand, the complement: RELN is on the minus strand). VCF-style: chr7-103611709-C-A. GRCh37 (hg19) VCF-style: chr7-103252156-C-A.
Other names: c.2797G>T, p.Val933Leu (NM_173054.3); short protein forms V933L.
Identifiers: ClinVar variation 1518986 (VCV001518986.8), dbSNP rs2117291698, ClinGen allele CA368754546.